The following is an entry in ClinVar:

NM_001199799.2(ILDR1):c.1137G>C (p.Glu379Asp)

Gene: ILDR1 (immunoglobulin like domain containing receptor 1; minus strand). Cytogenetic location: 3q13.33.
Variant type: single nucleotide variant.
Coding change: c.1137G>C on transcript NM_001199799.2 (MANE Select); coding-DNA position 1137, G replaced by C.
Protein change: p.Glu379Asp; replaces glutamic acid 379 with aspartic acid.
Molecular consequence: missense variant.
Genome position (GRCh38, 1-based): chr3:121,993,612, C>G on the plus strand (G>C on the coding strand, the complement: ILDR1 is on the minus strand). VCF-style: chr3-121993612-C-G. GRCh37 (hg19) VCF-style: chr3-121712459-C-G.
Other names: c.870G>C, p.Glu290Asp (NM_001199800.2); c.1005G>C, p.Glu335Asp (NM_175924.4); short protein forms E379D, E335D, E290D.
Identifiers: ClinVar variation 517458 (VCV000517458.4), dbSNP rs1553743343, ClinGen allele CA354143817.
Genomic context (GRCh38, chr3:121,993,612, plus strand): 5'-CCACGATGGGTCCAACTCCCTTCTTTCCAATGCCCAAGACTTTGGCCCCCGGTCCTGGAG[C>G]TCCTGGTGGAAATCAGGGTAATGGTGGTGGCTTCTCCCCTCCCTCAGATCCCAGGGCCTG-3'
Protein context (NP_001186728.1, residues 369-389): SHHHYPDFHQ[Glu379Asp]LQDRGPKSWA

ClinVar aggregate classification (germline): Uncertain significance (1 of 4 stars; one submission).

gnomAD v4.1: 9 of 1,614,232 alleles (0.00056%); highest among the groups gnomAD compares: Non-Finnish European, 0.00076%; no homozygotes.

Submission:

Laboratory for Molecular Medicine, Mass General Brigham Personalized Medicine
Classification: Uncertain significance. Last evaluated: 2017-07-11. Review status: criteria provided, single submitter. Criteria: LMM Criteria. Collection method: clinical testing. Allele origin: germline. Observed: 1 variant allele.
Comment: Variant classified as Uncertain Significance - Favor Benign. The p.Glu379Asp var iant in ILDR1 has not been previously reported in individuals with hearing loss or in large population studies. The glutamic acid (Glu) at position 379 is not c onserved across mammals or evolutionary distant species, with 2 mammals (lesser Egyptian jerboa, star-nosed mole) having an aspartic acid (Asp), supporting that the change at this position may be tolerated. Additional computational predicti on tools suggest that this variant may not impact the protein, though this infor mation is not predictive enough to rule out pathogenicity. In summary, while the clinical significance of the p.Glu379Asp variant is uncertain, available data s uggest that it is more likely to be benign.